The following is an entry in ClinVar:

ClinVar aggregate classification (germline): Uncertain significance (1 of 4 stars; one submission).

Conditions:
Cognitive impairment - coarse facies - heart defects - obesity - pulmonary involvement - short stature - skeletal dysplasia syndrome. Also called: COGNITIVE IMPAIRMENT, COARSE FACIES, HEART DEFECTS, OBESITY, PULMONARY INVOLVEMENT, SHORT STATURE, AND SKELETAL DYSPLASIA; Chops syndrome; AFF4-Related CHOPS Syndrome. Identifiers: Orphanet 444077, MedGen C4085597, MONDO:0014609, OMIM 616368.

gnomAD v4.1: 5 of 1,614,190 alleles (0.00031%); highest among the groups gnomAD compares: Non-Finnish European, 0.00042%; no homozygotes.

Submission:

Labcorp Genetics (formerly Invitae), Labcorp
Classification: Uncertain significance for Cognitive impairment - coarse facies - heart defects - obesity - pulmonary involvement - short stature - skeletal dysplasia syndrome. Last evaluated: 2024-12-24. Review status: criteria provided, single submitter. Criteria: Invitae Variant Classification Sherloc (09022015). Collection method: clinical testing. Allele origin: germline.
Comment: This sequence change replaces glutamic acid, which is acidic and polar, with aspartic acid, which is acidic and polar, at codon 616 of the AFF4 protein (p.Glu616Asp). This variant is not present in population databases (gnomAD no frequency). This variant has not been reported in the literature in individuals affected with AFF4-related conditions. Invitae Evidence Modeling of protein sequence and biophysical properties (such as structural, functional, and spatial information, amino acid conservation, physicochemical variation, residue mobility, and thermodynamic stability) indicates that this missense variant is not expected to disrupt AFF4 protein function with a negative predictive value of 80%. In summary, the available evidence is currently insufficient to determine the role of this variant in disease. Therefore, it has been classified as a Variant of Uncertain Significance.

NM_014423.4(AFF4):c.1848G>T (p.Glu616Asp)

Gene: AFF4 (ALF transcription elongation factor 4; minus strand). Cytogenetic location: 5q31.1.
Variant type: single nucleotide variant.
Coding change: c.1848G>T on transcript NM_014423.4 (MANE Select); coding-DNA position 1848, G replaced by T.
Protein change: p.Glu616Asp; replaces glutamic acid 616 with aspartic acid.
Molecular consequence: missense variant.
Genome position (GRCh38, 1-based): chr5:132,896,782, C>A on the plus strand (G>T on the coding strand, the complement: AFF4 is on the minus strand). VCF-style: chr5-132896782-C-A. GRCh37 (hg19) VCF-style: chr5-132232474-C-A.
Other names: short protein forms E616D.
Identifiers: ClinVar variation 3680467 (VCV003680467.2).